The following is an entry in ClinVar:

ClinVar aggregate classification (germline): Likely pathogenic (1 of 4 stars; one submission).

Conditions:
Hypoparathyroidism, deafness, renal disease syndrome (HDRS). Also called: HYPOPARATHYROIDISM, SENSORINEURAL DEAFNESS, AND RENAL DYSPLASIA SYNDROME. Identifiers: Orphanet 2237, MedGen C1840333, MONDO:0007797, OMIM 146255.

Submission:

Neuberg Centre For Genomic Medicine, NCGM
Classification: Likely pathogenic for Hypoparathyroidism, deafness, renal disease syndrome. Last evaluated: 2024-02-01. Review status: criteria provided, single submitter. Criteria: ACMG Guidelines, 2015. Collection method: clinical testing. Allele origin: germline. Inheritance: Autosomal dominant inheritance.
Comment: The frameshift c.743del (p.Gly248AspfsTer18) variant in GATA3 gene has not been reported previously as a pathogenic variant nor as a benign variant, to our knowledge. This variant is predicted to cause loss of normal protein function through protein truncation. Loss of function variants in GATA3 have been previously reported to be disease causing (Okawa et al., 2015). However, additional functional studies will be required to prove the pathogenicity of this variant.

NM_001002295.2(GATA3):c.743del (p.Gly248fs)

Gene: GATA3 (GATA binding protein 3; plus strand). Cytogenetic location: 10p14.
Variant type: Deletion.
Coding change: c.743del on transcript NM_001002295.2 (MANE Select); coding-DNA position 743, one base deleted (G; older notation c.743delG).
Protein change: p.Gly248fs; shifts the reading frame from glycine 248.
Molecular consequence: frameshift variant.
Genome position (GRCh38, 1-based): chr10:8,058,806, G deleted; the last of 2 consecutive G bases (chr10:8,058,805-8,058,806); deleting either gives the same sequence. VCF-style (leftmost placement, unchanged base first): chr10-8058804-CG-C. GRCh37 (hg19) VCF-style: chr10-8100767-CG-C.
Other names: c.743del, p.Gly248fs (NM_002051.3); short protein forms G248fs.
Identifiers: ClinVar variation 3897978 (VCV003897978.1).